The following is an entry in ClinVar:

ClinVar aggregate classification (germline): Uncertain significance. Review status: criteria provided, multiple submitters, no conflicts (2 of 4 stars). 2 submissions from 2 submitters: Uncertain significance (2). Last evaluated 2025-10-26.

Allele frequency attached by ClinVar (database versions not stated): TOPMed 0.00003.

Submissions (2):

Labcorp Genetics (formerly Invitae), Labcorp
Classification: Uncertain significance. Last evaluated: 2025-10-26. Review status: criteria provided, single submitter. Criteria: Invitae Variant Classification Sherloc (09022015). Collection method: clinical testing. Allele origin: germline.
Comment: This sequence change replaces arginine, which is basic and polar, with serine, which is neutral and polar, at codon 139 of the UNC119 protein (p.Arg139Ser). This variant is present in population databases (rs754193171, gnomAD 0.009%). This variant has not been reported in the literature in individuals affected with UNC119-related conditions. ClinVar contains an entry for this variant (Variation ID: 1036827). An algorithm developed to predict the effect of missense changes on protein structure and function (PolyPhen-2) suggests that this variant is likely to be tolerated. In summary, the available evidence is currently insufficient to determine the role of this variant in disease. Therefore, it has been classified as a Variant of Uncertain Significance.

Ambry Genetics
Classification: Uncertain significance. Last evaluated: 2025-08-27. Review status: criteria provided, single submitter. Criteria: Ambry Variant Classification Scheme 2023. Collection method: clinical testing. Allele origin: germline.

NM_005148.4(UNC119):c.415C>A (p.Arg139Ser)

Gene: UNC119 (unc-119 lipid binding chaperone; minus strand). Cytogenetic location: 17q11.2.
Variant type: single nucleotide variant.
Coding change: c.415C>A on transcript NM_005148.4 (MANE Select); coding-DNA position 415, C replaced by A.
Protein change: p.Arg139Ser; replaces arginine 139 with serine.
Molecular consequence: missense variant.
Genome position (GRCh38, 1-based): chr17:28,548,021, G>T on the plus strand (C>A on the coding strand, the complement: UNC119 is on the minus strand). VCF-style: chr17-28548021-G-T. GRCh37 (hg19) VCF-style: chr17-26875039-G-T.
Other names: c.130C>A, p.Arg44Ser (NM_001330166.2); c.415C>A, p.Arg139Ser (NM_054035.2); c.415C>A (NM_005148.3); short protein forms R44S, R139S.
Identifiers: ClinVar variation 1036827 (VCV001036827.6), dbSNP rs754193171, ClinGen allele CA8459806.